The following is an entry in ClinVar:

NM_032608.7(MYO18B):c.7602G>T (p.Ala2534=)

Gene: MYO18B (myosin XVIIIB; plus strand). Cytogenetic location: 22q12.1.
Variant type: single nucleotide variant.
Coding change: c.7602G>T on transcript NM_032608.7 (MANE Select); coding-DNA position 7602, G replaced by T.
Protein change: p.Ala2534=; no amino-acid change (alanine 2534 retained).
Molecular consequence: synonymous variant.
Genome position (GRCh38, 1-based): chr22:26,027,576, G>T. VCF-style: chr22-26027576-G-T. GRCh37 (hg19) VCF-style: chr22-26423542-G-T.
Other names: c.7605G>T, p.Ala2535= (NM_001318245.2); c.7602G>T (NM_032608.6).
Identifiers: ClinVar variation 1647515 (VCV001647515.11), dbSNP rs368810371, ClinGen allele CA10161818.

ClinVar aggregate classification (germline): Likely benign. Review status: criteria provided, multiple submitters, no conflicts (2 of 4 stars). 3 submissions from 3 submitters: Likely benign (2). 1 of the submissions does not count toward it. Last evaluated 2025-12-03.

Conditions:
MYO18B-related disorder. Also called: MYO18B-related condition.

Allele frequency attached by ClinVar (database versions not stated): ESP Exome Variant Server 0.00024.
gnomAD v4.1: 423 of 1,613,868 alleles (0.026%); highest among the groups gnomAD compares: Non-Finnish European, 0.034%; no homozygotes.

Submissions (3):

Labcorp Genetics (formerly Invitae), Labcorp
Classification: Likely benign. Last evaluated: 2025-12-03. Review status: criteria provided, single submitter. Criteria: Invitae Variant Classification Sherloc (09022015). Collection method: clinical testing. Allele origin: germline.

Blueprint Genetics
Classification: Likely benign. Last evaluated: 2024-11-24. Review status: criteria provided, single submitter. Criteria: ACMG Guidelines, 2015. Collection method: clinical testing. Allele origin: germline.

PreventionGenetics, part of Exact Sciences
Classification: Likely benign for MYO18B-related condition. Last evaluated: 2019-07-03. Review status: no assertion criteria provided. Collection method: clinical testing. Allele origin: germline. Not counted in ClinVar's aggregate classification.
Comment: This variant is classified as likely benign based on ACMG/AMP sequence variant interpretation guidelines (Richards et al. 2015 PMID: 25741868, with internal and published modifications).